The following is an entry in ClinVar:

ClinVar aggregate classification (germline): Likely benign. Review status: criteria provided, multiple submitters, no conflicts (2 of 4 stars). 3 submissions from 3 submitters: Likely benign (3). Last evaluated 2026-01-26.

Conditions:
Carnitine palmitoyl transferase 1A deficiency. Also called: Carnitine palmitoyltransferase 1A deficiency; CPT deficiency, hepatic, type IA; CPT I DEFICIENCY; CPT DEFICIENCY, HEPATIC, TYPE I; Carnitine palmitoyltransferase type I deficiency. Identifiers: Orphanet 156, MedGen C1829703, MONDO:0009705, OMIM 255120.

Allele frequency attached by ClinVar (database versions not stated): ExAC 0.00002; TOPMed 0.00002; gnomAD 0.00003; gnomAD exomes 0.00004.
gnomAD v4.1: 49 of 1,610,556 alleles (0.003%); highest among the groups gnomAD compares: South Asian, 0.0099%; no homozygotes.

Submissions (3):

Labcorp Genetics (formerly Invitae), Labcorp
Classification: Likely benign for Carnitine palmitoyl transferase 1A deficiency. Last evaluated: 2026-01-26. Review status: criteria provided, single submitter. Criteria: Invitae Variant Classification Sherloc (09022015). Collection method: clinical testing. Allele origin: germline.

GeneDx
Classification: Likely benign. Last evaluated: 2016-09-30. Review status: criteria provided, single submitter. Criteria: GeneDx Variant Classification (06012015). Collection method: clinical testing. Allele origin: germline. Affected: yes.
Comment: This variant is considered likely benign or benign based on one or more of the following criteria: it is a conservative change, it occurs at a poorly conserved position in the protein, it is predicted to be benign by multiple in silico algorithms, and/or has population frequency not consistent with disease.

Breakthrough Genomics
Classification: Likely benign. Review status: criteria provided, single submitter. Criteria: ACMG Guidelines, 2015. Collection method: not provided. Allele origin: germline. Inheritance: Autosomal recessive inheritance. Affected: yes.

NM_001876.4(CPT1A):c.1461C>T (p.Tyr487=)

Gene: CPT1A (carnitine palmitoyltransferase 1A; minus strand). Cytogenetic location: 11q13.3.
Variant type: single nucleotide variant.
Coding change: c.1461C>T on transcript NM_001876.4 (MANE Select); coding-DNA position 1461, C replaced by T.
Protein change: p.Tyr487=; no amino-acid change (tyrosine 487 retained).
Molecular consequence: synonymous variant.
Genome position (GRCh38, 1-based): chr11:68,775,430, G>A on the plus strand (C>T on the coding strand, the complement: CPT1A is on the minus strand). VCF-style: chr11-68775430-G-A. GRCh37 (hg19) VCF-style: chr11-68542898-G-A.
Other names: c.1461C>T, p.Tyr487= (NM_001031847.3).
Identifiers: ClinVar variation 389615 (VCV000389615.12), dbSNP rs757568196, ClinGen allele CA6152293.
Genomic context (GRCh38, chr11:68,775,430, plus strand): 5'-GTCGCCTTTGCAGTGCCCATCCTCCGCATAGCCCAGCTGGAGGCTGTCAATGGACATGAC[G>A]TACTGTCAAAAATAGAACAAAATTATTAAAACTAACAGTGGTACATAAAACACATTAACC-3'
Protein context (NP_001867.2, residues 477-497): DAPIVAHLWE[Tyr487=]VMSIDSLQLG